The following is an entry in ClinVar:

NM_002528.7(NTHL1):c.434G>T (p.Arg145Leu)

Gene: NTHL1 (nth like DNA glycosylase 1; minus strand). Cytogenetic location: 16p13.3.
Variant type: single nucleotide variant.
Coding change: c.434G>T on transcript NM_002528.7 (MANE Select); coding-DNA position 434, G replaced by T.
Protein change: p.Arg145Leu; replaces arginine 145 with leucine.
Molecular consequence: missense variant. On other transcripts: intron variant (1).
Genome position (GRCh38, 1-based): chr16:2,044,721, C>A on the plus strand (G>T on the coding strand, the complement: NTHL1 is on the minus strand). VCF-style: chr16-2044721-C-A. GRCh37 (hg19) VCF-style: chr16-2094722-C-A.
Other names: c.434G>T, p.Arg145Leu (LRG_1366t1); c.104G>T, p.Arg35Leu (NM_001318194.2); c.355-995G>T (NM_001318193.2); short protein forms R35L, R145L.
Identifiers: ClinVar variation 659081 (VCV000659081.9), dbSNP rs746940807, ClinGen allele CA394294343.
Genomic context (GRCh38, chr16:2,044,721, plus strand): 5'-CCCAGCGTGGCATCATCTGTCTGCAGGATGCTGTCCACCGTCAGGCCCCGCGCCCGCAGT[C>A]GCTGCATGGCGCCCGCCGTCACCTGGTCTTTGGTTTGGCTGGAGAGCATCAGTGACAGCA-3'
Protein context (NP_002519.2, residues 135-155): KDQVTAGAMQ[Arg145Leu]LRARGLTVDS

ClinVar aggregate classification (germline): Uncertain significance. Review status: criteria provided, multiple submitters, no conflicts (2 of 4 stars). 2 submissions from 2 submitters: Uncertain significance (2). Last evaluated 2025-10-06.

Conditions:
Hereditary cancer-predisposing syndrome. Also called: Hereditary neoplastic syndrome; Neoplastic Syndromes, Hereditary; Hereditary Cancer Syndrome; Tumor predisposition. Identifiers: Orphanet 140162, MedGen C0027672, MeSH D009386, MONDO:0015356.

gnomAD v4.1: 1 of 1,611,804 alleles (0.000062%); highest among the groups gnomAD compares: Non-Finnish European, 0.000085%; no homozygotes.

Submissions (2):

Labcorp Genetics (formerly Invitae), Labcorp
Classification: Uncertain significance. Last evaluated: 2025-10-06. Review status: criteria provided, single submitter. Criteria: Invitae Variant Classification Sherloc (09022015). Collection method: clinical testing. Allele origin: germline.
Comment: This sequence change replaces arginine, which is basic and polar, with leucine, which is neutral and non-polar, at codon 153 of the NTHL1 protein (p.Arg153Leu). This variant is not present in population databases (gnomAD no frequency). This variant has not been reported in the literature in individuals affected with NTHL1-related conditions. ClinVar contains an entry for this variant (Variation ID: 659081). An algorithm developed to predict the effect of missense changes on protein structure and function (PolyPhen-2) suggests that this variant is likely to be disruptive. In summary, the available evidence is currently insufficient to determine the role of this variant in disease. Therefore, it has been classified as a Variant of Uncertain Significance.

Ambry Genetics
Classification: Uncertain significance for Hereditary cancer-predisposing syndrome. Last evaluated: 2021-12-12. Review status: criteria provided, single submitter. Criteria: Ambry Variant Classification Scheme 2023. Collection method: clinical testing. Allele origin: germline.
Comment: The p.R153L variant (also known as c.458G>T), located in coding exon 3 of the NTHL1 gene, results from a G to T substitution at nucleotide position 458. The arginine at codon 153 is replaced by leucine, an amino acid with dissimilar properties. This amino acid position is conserved. In addition, the in silico prediction for this alteration is inconclusive. Since supporting evidence is limited at this time, the clinical significance of this alteration remains unclear.